The following is an entry in ClinVar:

NM_002361.4(MAG):c.1429C>T (p.Arg477Trp)

Gene: MAG (myelin associated glycoprotein; plus strand). Cytogenetic location: 19q13.12.
Variant type: single nucleotide variant.
Coding change: c.1429C>T on transcript NM_002361.4 (MANE Select); coding-DNA position 1429, C replaced by T.
Protein change: p.Arg477Trp; replaces arginine 477 with tryptophan.
Molecular consequence: missense variant.
Genome position (GRCh38, 1-based): chr19:35,310,071, C>T. VCF-style: chr19-35310071-C-T. GRCh37 (hg19) VCF-style: chr19-35800974-C-T.
Other names: c.1354C>T, p.Arg452Trp (NM_001199216.2); c.1429C>T, p.Arg477Trp (NM_080600.3); short protein forms R452W, R477W.
Identifiers: ClinVar variation 3618094 (VCV003618094.2).

ClinVar aggregate classification (germline): Uncertain significance (1 of 4 stars; one submission).

Conditions:
Hereditary spastic paraplegia 75. Also called: Spastic paraplegia 75, autosomal recessive. Identifiers: Orphanet 459056, MedGen C4225250, MONDO:0014729, OMIM 616680.

gnomAD v4.1: 1 of 1,613,356 alleles (0.000062%); highest among the groups gnomAD compares: Non-Finnish European, 0.000085%; no homozygotes.

Submission:

Labcorp Genetics (formerly Invitae), Labcorp
Classification: Uncertain significance for Hereditary spastic paraplegia 75. Last evaluated: 2024-11-02. Review status: criteria provided, single submitter. Criteria: Invitae Variant Classification Sherloc (09022015). Collection method: clinical testing. Allele origin: germline.
Comment: This sequence change replaces arginine, which is basic and polar, with tryptophan, which is neutral and slightly polar, at codon 477 of the MAG protein (p.Arg477Trp). The frequency data for this variant in the population databases is considered unreliable, as metrics indicate poor data quality at this position in the gnomAD database. This variant has not been reported in the literature in individuals affected with MAG-related conditions. Invitae Evidence Modeling of protein sequence and biophysical properties (such as structural, functional, and spatial information, amino acid conservation, physicochemical variation, residue mobility, and thermodynamic stability) indicates that this missense variant is expected to disrupt MAG protein function with a positive predictive value of 80%. In summary, the available evidence is currently insufficient to determine the role of this variant in disease. Therefore, it has been classified as a Variant of Uncertain Significance.